The following is an entry in ClinVar:

ClinVar aggregate classification (germline): Likely benign. Review status: criteria provided, multiple submitters, no conflicts (2 of 4 stars). 2 submissions from 2 submitters: Likely benign (2). Last evaluated 2025-06-18.

Conditions:
CDH23-related disorder. Also called: CDH23-related condition; CDH23-related disorders.

Allele frequency attached by ClinVar (database versions not stated): gnomAD 0.00001; gnomAD exomes 0.00001 and 0.00003; TOPMed 0.00001.
gnomAD v4.1: 41 of 1,573,488 alleles (0.0026%); highest among the groups gnomAD compares: Non-Finnish European, 0.0033%; no homozygotes.

Submissions (2):

PreventionGenetics, part of Exact Sciences
Classification: Likely benign for CDH23-related condition. Last evaluated: 2025-06-18. Review status: criteria provided, single submitter. Criteria: ACMG Guidelines, 2015. Collection method: clinical testing. Allele origin: germline.
Comment: This variant is classified as likely benign based on ACMG/AMP sequence variant interpretation guidelines (Richards et al. 2015 PMID: 25741868, with internal and published modifications).

Labcorp Genetics (formerly Invitae), Labcorp
Classification: Likely benign. Last evaluated: 2024-03-14. Review status: criteria provided, single submitter. Criteria: Invitae Variant Classification Sherloc (09022015). Collection method: clinical testing. Allele origin: germline.

NM_022124.6(CDH23):c.5713-7A>T

Gene: CDH23 (cadherin related 23; plus strand). Cytogenetic location: 10q22.1.
Variant type: single nucleotide variant.
Coding change: c.5713-7A>T on transcript NM_022124.6 (MANE Select); 7 bases into the intron before coding-DNA position 5713, A replaced by T.
Molecular consequence: intron variant.
Genome position (GRCh38, 1-based): chr10:71,785,624, A>T. VCF-style: chr10-71785624-A-T. GRCh37 (hg19) VCF-style: chr10-73545381-A-T.
Other names: c.5713-7A>T (NM_022124.5).
Identifiers: ClinVar variation 1146131 (VCV001146131.10), dbSNP rs760081925, ClinGen allele CA5545856.